The following is an entry in ClinVar:

NM_004553.6(NDUFS6):c.344G>A (p.Cys115Tyr)

Gene: NDUFS6 (NADH:ubiquinone oxidoreductase subunit S6; plus strand). Cytogenetic location: 5p15.33.
Variant type: single nucleotide variant.
Coding change: c.344G>A on transcript NM_004553.6 (MANE Select); coding-DNA position 344, G replaced by A.
Protein change: p.Cys115Tyr; replaces cysteine 115 with tyrosine.
Molecular consequence: missense variant.
Genome position (GRCh38, 1-based): chr5:1,815,885, G>A. VCF-style: chr5-1815885-G-A. GRCh37 (hg19) VCF-style: chr5-1815999-G-A.
Other names: c.344G>A (NM_004553.4); short protein forms C115Y.
Identifiers: ClinVar variation 6018 (VCV000006018.7), dbSNP rs267606913, ClinGen allele CA117913.

ClinVar aggregate classification (germline): Likely pathogenic. Review status: criteria provided, multiple submitters, no conflicts (2 of 4 stars). 4 submissions from 4 submitters: Likely pathogenic (3). 1 of the submissions does not count toward it. Last evaluated 2024-03-05.

Conditions:
Mitochondrial complex I deficiency. Also called: NADH:Q(1) OXIDOREDUCTASE DEFICIENCY. Identifiers: Orphanet 2609, MedGen C1838979, MeSH C537475, MONDO:0100133.
Mitochondrial complex I deficiency, nuclear type 9. Also called: Mitochondrial complex 1 deficiency, nuclear type 9. Identifiers: MedGen C4748767, MONDO:0032615, OMIM 618232.

Allele frequency attached by ClinVar (database versions not stated): gnomAD exomes below 0.00001; ExAC 0.00001.
gnomAD v4.1: 1 of 1,614,240 alleles (0.000062%); no homozygotes.

Submissions (4):

Natera, Inc.
Classification: Likely pathogenic for Mitochondrial complex I deficiency. Last evaluated: 2024-03-05. Review status: criteria provided, single submitter. Criteria: Natera Variant Classification Schema (03/2026). Collection method: clinical testing. Allele origin: germline.
Comment: The c.344G>A variant in NDUFS6 is a missense variant predicted to cause substitution of cysteine to tyrosine at amino acid 115. This variant is rare in the general population with a frequency below the threshold expected for the associated phenotype(s). This variant has been observed in one or more individuals affected with the associated recessive disease, as either homozygous or compound heterozygous with a second variant (PMID: 19259137). A different variant at the same position has been determined to be Pathogenic or Likely Pathogenic. Computational prediction algorithms indicate this variant is likely to affect gene or protein function. Given the available evidence, this variant is classified as Likely Pathogenic.

Labcorp Genetics (formerly Invitae), Labcorp
Classification: Likely pathogenic. Last evaluated: 2024-02-16. Review status: criteria provided, single submitter. Criteria: Invitae Variant Classification Sherloc (09022015). Collection method: clinical testing. Allele origin: germline.
Comment: This sequence change replaces cysteine, which is neutral and slightly polar, with tyrosine, which is neutral and polar, at codon 115 of the NDUFS6 protein (p.Cys115Tyr). This variant is present in population databases (rs267606913, gnomAD 0.01%). This missense change has been observed in individuals with mitochondrial complex I deficiency (PMID: 19259137). ClinVar contains an entry for this variant (Variation ID: 6018). An algorithm developed to predict the effect of missense changes on protein structure and function (PolyPhen-2) suggests that this variant is likely to be disruptive. This variant disrupts the p.Cys115 amino acid residue in NDUFS6. Other variant(s) that disrupt this residue have been determined to be pathogenic (PMID: 28429146, 30948790). This suggests that this residue is clinically significant, and that variants that disrupt this residue are likely to be disease-causing. In summary, the currently available evidence indicates that the variant is pathogenic, but additional data are needed to prove that conclusively. Therefore, this variant has been classified as Likely Pathogenic.

Baylor Genetics
Classification: Likely pathogenic for Mitochondrial complex I deficiency, nuclear type 9. Last evaluated: 2023-04-11. Review status: criteria provided, single submitter. Criteria: ACMG Guidelines, 2015. Collection method: clinical testing. Allele origin: unknown.

OMIM
Classification: Pathogenic for MITOCHONDRIAL COMPLEX I DEFICIENCY, NUCLEAR TYPE 9. Last evaluated: 2009-09-01. Review status: no assertion criteria provided. Collection method: literature only. Allele origin: germline. Not counted in ClinVar's aggregate classification.

Literature cited by the submitters: PubMed 19259137 (cited by 3 submitters); PubMed 28429146 (cited by Labcorp Genetics (formerly Invitae), Labcorp); PubMed 30948790 (cited by Labcorp Genetics (formerly Invitae), Labcorp).